The following is an entry in ClinVar:

NM_003331.5(TYK2):c.372T>C (p.Arg124=)

Gene: TYK2 (tyrosine kinase 2; minus strand). Cytogenetic location: 19p13.2.
Variant type: single nucleotide variant.
Coding change: c.372T>C on transcript NM_003331.5 (MANE Select); coding-DNA position 372, T replaced by C.
Protein change: p.Arg124=; no amino-acid change (arginine 124 retained).
Molecular consequence: synonymous variant.
Genome position (GRCh38, 1-based): chr19:10,368,148, A>G on the plus strand (T>C on the coding strand, the complement: TYK2 is on the minus strand). VCF-style: chr19-10368148-A-G. GRCh37 (hg19) VCF-style: chr19-10478824-A-G.
Identifiers: ClinVar variation 892067 (VCV000892067.14), dbSNP rs371832787, ClinGen allele CA9193754.

ClinVar aggregate classification (germline): Conflicting classifications of pathogenicity. Review status: criteria provided, conflicting classifications (1 of 4 stars). 4 submissions from 4 submitters: Uncertain significance (1); Likely benign (2). 1 of the submissions does not count toward it. Last evaluated 2025-11-24.

Conditions:
TYK2-related disorder. Also called: TYK2-related condition.
Immunodeficiency 35 (IMD35). Also called: TYK2 DEFICIENCY; HIES WITH ATYPICAL MYCOBACTERIOSIS, AUTOSOMAL RECESSIVE; HYPER-IgE SYNDROME WITH ATYPICAL MYCOBACTERIOSIS, AUTOSOMAL RECESSIVE; Susceptibility to infection due to TYK2 deficiency. Identifiers: Orphanet 331226, MedGen C1969086, MONDO:0012682, OMIM 611521.

Allele frequency attached by ClinVar (database versions not stated): gnomAD 0.00008 and 0.00009; TOPMed 0.00009; gnomAD exomes 0.00010 and 0.00012; ESP Exome Variant Server 0.00015; ExAC 0.00016.
gnomAD v4.1: 155 of 1,613,944 alleles (0.0096%); highest among the groups gnomAD compares: South Asian, 0.063%; 2 homozygotes.

Submissions (4):

Labcorp Genetics (formerly Invitae), Labcorp
Classification: Likely benign for Immunodeficiency 35. Last evaluated: 2025-11-24. Review status: criteria provided, single submitter. Criteria: Invitae Variant Classification Sherloc (09022015). Collection method: clinical testing. Allele origin: germline.

Blueprint Genetics
Classification: Likely benign. Last evaluated: 2024-10-22. Review status: criteria provided, single submitter. Criteria: ACMG Guidelines, 2015. Collection method: clinical testing. Allele origin: germline.

Illumina Laboratory Services, Illumina
Classification: Uncertain significance for Immunodeficiency 35. Last evaluated: 2017-04-27. Review status: criteria provided, single submitter. Criteria: ICSL Variant Classification Criteria 13 December 2019. Collection method: clinical testing. Allele origin: germline.

PreventionGenetics, part of Exact Sciences
Classification: Likely benign for TYK2-related condition. Last evaluated: 2019-03-04. Review status: no assertion criteria provided. Collection method: clinical testing. Allele origin: germline. Not counted in ClinVar's aggregate classification.
Comment: This variant is classified as likely benign based on ACMG/AMP sequence variant interpretation guidelines (Richards et al. 2015 PMID: 25741868, with internal and published modifications).